The following is an entry in ClinVar:

ClinVar aggregate classification (germline): Uncertain significance (1 of 4 stars; one submission).

Allele frequency attached by ClinVar (database versions not stated): gnomAD exomes below 0.00001; ExAC 0.00001.
gnomAD v4.1: 2 of 1,613,018 alleles (0.00012%); highest among the groups gnomAD compares: Non-Finnish European, 0.000085%; no homozygotes.

Submission:

Labcorp Genetics (formerly Invitae), Labcorp
Classification: Uncertain significance. Last evaluated: 2023-12-11. Review status: criteria provided, single submitter. Criteria: Invitae Variant Classification Sherloc (09022015). Collection method: clinical testing. Allele origin: germline.
Comment: This sequence change replaces glutamic acid, which is acidic and polar, with glutamine, which is neutral and polar, at codon 1247 of the COL11A2 protein (p.Glu1247Gln). This variant is present in population databases (rs750311375, gnomAD 0.0009%). This variant has not been reported in the literature in individuals affected with COL11A2-related conditions. ClinVar contains an entry for this variant (Variation ID: 1472174). Advanced modeling of protein sequence and biophysical properties (such as structural, functional, and spatial information, amino acid conservation, physicochemical variation, residue mobility, and thermodynamic stability) performed at Invitae indicates that this missense variant is not expected to disrupt COL11A2 protein function with a negative predictive value of 95%. In summary, the available evidence is currently insufficient to determine the role of this variant in disease. Therefore, it has been classified as a Variant of Uncertain Significance.

NM_080680.3(COL11A2):c.3739G>C (p.Glu1247Gln)

Gene: COL11A2 (collagen type XI alpha 2 chain; minus strand). Cytogenetic location: 6p21.32.
Variant type: single nucleotide variant.
Coding change: c.3739G>C on transcript NM_080680.3 (MANE Select); coding-DNA position 3739, G replaced by C.
Protein change: p.Glu1247Gln; replaces glutamic acid 1247 with glutamine.
Molecular consequence: missense variant.
Genome position (GRCh38, 1-based): chr6:33,169,442, C>G on the plus strand (G>C on the coding strand, the complement: COL11A2 is on the minus strand). VCF-style: chr6-33169442-C-G. GRCh37 (hg19) VCF-style: chr6-33137219-C-G.
Other names: c.3418G>C, p.Glu1140Gln (NM_080679.3); c.3481G>C, p.Glu1161Gln (NM_080681.3); short protein forms E1140Q, E1161Q, E1247Q.
Identifiers: ClinVar variation 1472174 (VCV001472174.8), dbSNP rs750311375, ClinGen allele CA3750384.
Genomic context (GRCh38, chr6:33,169,442, plus strand): 5'-CAGGGTTCCCTTTGGGGCCATCATCGCCTGTGGGGCCTTTAGGCCCTGGTGGCCCTGGCT[C>G]TCCTGGCTGCCCCGACTCTCCTTTCTCTCCACGTTCCCCGCGTGGACCCTGCAGAACAAG-3'
Protein context (NP_542411.2, residues 1237-1257): GEKGESGQPG[Glu1247Gln]PGPPGPKGPT